The following is an entry in ClinVar:

NM_005334.3(HCFC1):c.6034C>G (p.Pro2012Ala)

Gene: HCFC1 (host cell factor C1; minus strand). Cytogenetic location: Xq28.
Variant type: single nucleotide variant.
Coding change: c.6034C>G on transcript NM_005334.3 (MANE Select); coding-DNA position 6034, C replaced by G.
Protein change: p.Pro2012Ala; replaces proline 2012 with alanine.
Molecular consequence: missense variant.
Genome position (GRCh38, 1-based): chrX:153,949,587, G>C on the plus strand (C>G on the coding strand, the complement: HCFC1 is on the minus strand). VCF-style: chrX-153949587-G-C. GRCh37 (hg19) VCF-style: chrX-153215038-G-C.
Other names: short protein forms P2012A.
Identifiers: ClinVar variation 1704197 (VCV001704197.2), dbSNP rs2521430825, ClinGen allele CA415101959.

ClinVar aggregate classification (germline): Uncertain significance (1 of 4 stars; one submission).

Submission:

GeneDx
Classification: Uncertain significance. Last evaluated: 2022-03-01. Review status: criteria provided, single submitter. Criteria: GeneDx Variant Classification Process June 2021. Collection method: clinical testing. Allele origin: germline. Affected: yes.
Comment: Not observed at significant frequency in large population cohorts (gnomAD); In silico analysis supports that this missense variant has a deleterious effect on protein structure/function; Has not been previously published as pathogenic or benign to our knowledge